The following is an entry in ClinVar:

NM_017739.4(POMGNT1):c.594C>G (p.Ser198Arg)

Genes: TSPAN1 (tetraspanin 1; plus strand), POMGNT1 (protein O-linked mannose N-acetylglucosaminyltransferase 1 (beta 1,2-); minus strand). Cytogenetic location: 1p34.1.
Variant type: single nucleotide variant.
Coding change: c.594C>G on transcript NM_017739.4 (MANE Select); coding-DNA position 594, C replaced by G.
Protein change: p.Ser198Arg; replaces serine 198 with arginine.
Molecular consequence: missense variant.
Genome position (GRCh38, 1-based): chr1:46,194,902, G>C on the plus strand (C>G on the coding strand, the complement: POMGNT1 is on the minus strand). VCF-style: chr1-46194902-G-C. GRCh37 (hg19) VCF-style: chr1-46660574-G-C.
Other names: c.594C>G, p.Ser198Arg (NM_001243766.2, NM_001410783.1); c.528C>G, p.Ser176Arg (NM_001290129.3); c.165C>G, p.Ser55Arg (NM_001290130.2); short protein forms S198R, S176R, S55R.
Identifiers: ClinVar variation 56602 (VCV000056602.3), dbSNP rs386834032, ClinGen allele CA263975.

ClinVar aggregate classification (germline): Likely pathogenic. Review status: criteria provided, single submitter (1 of 4 stars). 2 submissions from 2 submitters: Likely pathogenic (1). 1 of the submissions does not count toward it. Last evaluated 2025-03-12.

Conditions:
Muscle eye brain disease (MEB). Also called: Santavuori congenital muscular dystrophy. Identifiers: Orphanet 588, Orphanet 899, MedGen C0457133, MONDO:0018939.
Muscular dystrophy-dystroglycanopathy (congenital with brain and eye anomalies), type A3. Also called: Congenital muscular dystrophy-dystroglycanopathy with brain and eye anomalies, type A3; Muscular dystrophy-dystroglycanopathy (congenital with brain and eye anomalies), type A, 3; WALKER-WARBURG SYNDROME OR MUSCLE-EYE-BRAIN DISEASE, POMGNT1-RELATED. Identifiers: MedGen C3151519, MONDO:0009667, OMIM 253280.

Allele frequency attached by ClinVar (database versions not stated): gnomAD exomes below 0.00001.
gnomAD v4.1: 1 of 1,614,144 alleles (0.000062%); highest among the groups gnomAD compares: Non-Finnish European, 0.000085%; no homozygotes.

Submissions (2):

Women's Health and Genetics/Laboratory Corporation of America, LabCorp
Classification: Likely pathogenic for Muscular dystrophy-dystroglycanopathy (congenital with brain and eye anomalies), type A3. Last evaluated: 2025-03-12. Review status: criteria provided, single submitter. Criteria: LabCorp Variant Classification Summary - May 2015. Collection method: clinical testing. Allele origin: germline.
Comment: Variant summary: POMGNT1 c.594C>G (p.Ser198Arg) results in a non-conservative amino acid change in the encoded protein sequence. Five of five in-silico tools predict a damaging effect of the variant on protein function. The variant was absent in 251216 control chromosomes. c.594C>G has been reported in the literature in at least one compound heterozygous individual affected with Muscular dystrophy-dystroglycanopathy (congenital with brain and eye anomalies), type A3 (e.g., Biancheri_2006). At least one publication reports experimental evidence evaluating an impact on protein function; recombinant protein expressed in E coli demonstrated no catalytic activity (Voglmeir_2011). The following publications have been ascertained in the context of this evaluation (PMID: 17030669, 21361872). ClinVar contains an entry for this variant (Variation ID: 56602). Based on the evidence outlined above, the variant was classified as likely pathogenic.

Juha Muilu Group; Institute for Molecular Medicine Finland (FIMM)
Classification: Likely pathogenic for Muscle eye brain disease. Review status: no assertion criteria provided. Collection method: not provided. Allele origin: unknown. Not counted in ClinVar's aggregate classification.
Comment: FinDis database variant: This variant was not found or characterized by our laboratory, data were collected from public sources: see reference
ClinVar note: Converted during submission from probable-pathogenic to Likely pathogenic.

Literature cited by the submitters: PubMed 21361872 (cited by Women's Health and Genetics/Laboratory Corporation of America, LabCorp); PubMed 17030669 (cited by Women's Health and Genetics/Laboratory Corporation of America, LabCorp).